The following is an entry in ClinVar:

NM_006767.4(LZTR1):c.2084T>C (p.Met695Thr)

Gene: LZTR1 (leucine zipper like post translational regulator 1; plus strand). Cytogenetic location: 22q11.21.
Variant type: single nucleotide variant.
Coding change: c.2084T>C on transcript NM_006767.4 (MANE Select); coding-DNA position 2084, T replaced by C.
Protein change: p.Met695Thr; replaces methionine 695 with threonine.
Molecular consequence: missense variant.
Genome position (GRCh38, 1-based): chr22:20,995,977, T>C. VCF-style: chr22-20995977-T-C. GRCh37 (hg19) VCF-style: chr22-21350266-T-C.
Other names: short protein forms M695T.
Identifiers: ClinVar variation 1785618 (VCV001785618.4), dbSNP rs1924827837, ClinGen allele CA410779216.

ClinVar aggregate classification (germline): Uncertain significance. Review status: criteria provided, multiple submitters, no conflicts (2 of 4 stars). 2 submissions from 2 submitters: Uncertain significance (2). Last evaluated 2025-11-20.

Conditions:
Cardiovascular phenotype. Identifiers: MedGen CN230736.
Hereditary cancer-predisposing syndrome. Also called: Hereditary Cancer Syndrome; Hereditary neoplastic syndrome; Neoplastic Syndromes, Hereditary; Tumor predisposition. Identifiers: Orphanet 140162, MedGen C0027672, MeSH D009386, MONDO:0015356.

Allele frequency attached by ClinVar (database versions not stated): gnomAD exomes below 0.00001; TOPMed below 0.00001.
gnomAD v4.1: 2 of 1,613,756 alleles (0.00012%); highest among the groups gnomAD compares: Non-Finnish European, 0.00017%; no homozygotes.

Submissions (2):

Ambry Genetics
Classification: Uncertain significance for Cardiovascular phenotype; Hereditary cancer-predisposing syndrome. Last evaluated: 2025-11-20. Review status: criteria provided, single submitter. Criteria: Ambry Variant Classification Scheme 2023. Collection method: clinical testing. Allele origin: germline.
Comment: The p.M695T variant (also known as c.2084T>C), located in coding exon 18 of the LZTR1 gene, results from a T to C substitution at nucleotide position 2084. The methionine at codon 695 is replaced by threonine, an amino acid with similar properties. This amino acid position is highly conserved in available vertebrate species. In addition, this alteration is predicted to be deleterious by in silico analysis. Based on the available evidence, the clinical significance of this variant remains unclear.

Blueprint Genetics
Classification: Uncertain significance. Last evaluated: 2023-12-28. Review status: criteria provided, single submitter. Criteria: ACMG Guidelines, 2015. Collection method: clinical testing. Allele origin: germline.